The following is an entry in ClinVar:

NM_001123385.2(BCOR):c.4724T>C (p.Met1575Thr)

Gene: BCOR (BCL6 corepressor; minus strand). Cytogenetic location: Xp11.4.
Variant type: single nucleotide variant.
Coding change: c.4724T>C on transcript NM_001123385.2 (MANE Select); coding-DNA position 4724, T replaced by C.
Protein change: p.Met1575Thr; replaces methionine 1575 with threonine.
Molecular consequence: missense variant.
Genome position (GRCh38, 1-based): chrX:40,055,385, A>G on the plus strand (T>C on the coding strand, the complement: BCOR is on the minus strand). VCF-style: chrX-40055385-A-G. GRCh37 (hg19) VCF-style: chrX-39914638-A-G.
Other names: c.4622T>C, p.Met1541Thr (NM_001123383.2, NM_017745.6); c.4568T>C, p.Met1523Thr (NM_001123384.2); short protein forms M1541T, M1575T, M1523T.
Identifiers: ClinVar variation 194101 (VCV000194101.24), dbSNP rs142595337, ClinGen allele CA239918.

ClinVar aggregate classification (germline): Conflicting classifications of pathogenicity. Review status: criteria provided, conflicting classifications (1 of 4 stars). 7 submissions from 7 submitters: Uncertain significance (1); Benign (1); Likely benign (2). 3 of the submissions do not count toward it. Last evaluated 2026-07-01.

Conditions:
BCOR-related disorder. Also called: BCOR-related disorders; BCOR-related condition.
Inborn genetic diseases. Identifiers: MedGen C0950123, MeSH D030342.
Oculofaciocardiodental syndrome (MCOPS2). Identifiers: Orphanet 2712, MedGen C1846265, MONDO:0010261, OMIM 300166.

Allele frequency attached by ClinVar (database versions not stated): gnomAD exomes 0.00004 and 0.00010; ExAC 0.00011; ESP Exome Variant Server 0.00028; gnomAD 0.00041 and 0.00043; 1000 Genomes Project 30x 0.00042; 1000 Genomes Project 0.00053; TOPMed 0.00076.

Submissions (7):

CeGaT Center for Human Genetics Tuebingen
Classification: Likely benign. Last evaluated: 2026-07-01. Review status: criteria provided, single submitter. Criteria: CeGaT Center For Human Genetics Tuebingen Variant Classification Criteria Version 2. Collection method: clinical testing. Allele origin: germline. Affected: yes. Observed: 3 variant alleles.
Comment: BCOR: PP2, BS2

Labcorp Genetics (formerly Invitae), Labcorp
Classification: Benign for Oculofaciocardiodental syndrome. Last evaluated: 2025-08-29. Review status: criteria provided, single submitter. Criteria: Invitae Variant Classification Sherloc (09022015). Collection method: clinical testing. Allele origin: germline.

Ambry Genetics
Classification: Likely benign for Inborn genetic diseases. Last evaluated: 2023-11-03. Review status: criteria provided, single submitter. Criteria: Ambry Variant Classification Scheme 2023. Collection method: clinical testing. Allele origin: germline.

Eurofins Ntd Llc (ga)
Classification: Uncertain significance. Last evaluated: 2014-10-28. Review status: criteria provided, single submitter. Criteria: EGL Classification Definitions 2015. Collection method: clinical testing. Allele origin: germline. Observed: 1 variant allele, 1 heterozygote.

PreventionGenetics, part of Exact Sciences
Classification: Likely benign for BCOR-related condition. Last evaluated: 2019-09-13. Review status: no assertion criteria provided. Collection method: clinical testing. Allele origin: germline. Not counted in ClinVar's aggregate classification.
Comment: This variant is classified as likely benign based on ACMG/AMP sequence variant interpretation guidelines (Richards et al. 2015 PMID: 25741868, with internal and published modifications).

Clinical Genetics DNA and cytogenetics Diagnostics Lab, Erasmus MC, Erasmus Medical Center
Classification: Uncertain significance. Review status: no assertion criteria provided. Collection method: clinical testing. Allele origin: germline. Affected: yes. Study: VKGL Data-share Consensus. Not counted in ClinVar's aggregate classification.

Laboratory of Diagnostic Genome Analysis, Leiden University Medical Center (LUMC)
Classification: Uncertain significance. Review status: no assertion criteria provided. Collection method: clinical testing. Allele origin: germline. Affected: yes. Study: VKGL Data-share Consensus. Not counted in ClinVar's aggregate classification.